The following is an entry in ClinVar:

NM_000123.4(ERCC5):c.2398A>G (p.Thr800Ala)

Genes: BIVM-ERCC5 (BIVM-ERCC5 readthrough; plus strand), ERCC5 (ERCC excision repair 5, endonuclease; plus strand), LOC126861834 (BRD4-independent group 4 enhancer GRCh37_chr13:103518038-103519237; plus strand). Cytogenetic location: 13q33.1.
Variant type: single nucleotide variant.
Coding change: c.2398A>G on transcript NM_000123.4 (MANE Select); coding-DNA position 2398, A replaced by G.
Protein change: p.Thr800Ala; replaces threonine 800 with alanine.
Molecular consequence: missense variant.
Genome position (GRCh38, 1-based): chr13:102,866,710, A>G. VCF-style: chr13-102866710-A-G. GRCh37 (hg19) VCF-style: chr13-103519060-A-G.
Other names: c.3760A>G, p.Thr1254Ala (NM_001204425.2); short protein forms T1254A, T800A.
Identifiers: ClinVar variation 4733577 (VCV004733577.1).

ClinVar aggregate classification (germline): Uncertain significance (1 of 4 stars; one submission).

Submission:

Labcorp Genetics (formerly Invitae), Labcorp
Classification: Uncertain significance. Last evaluated: 2025-12-23. Review status: criteria provided, single submitter. Criteria: Invitae Variant Classification Sherloc (09022015). Collection method: clinical testing. Allele origin: germline.
Comment: This sequence change replaces threonine, which is neutral and polar, with alanine, which is neutral and non-polar, at codon 800 of the ERCC5 protein (p.Thr800Ala). This variant is not present in population databases (gnomAD no frequency). This variant has not been reported in the literature in individuals affected with ERCC5-related conditions. An algorithm developed to predict the effect of missense changes on protein structure and function (PolyPhen-2) suggests that this variant is likely to be disruptive. In summary, the available evidence is currently insufficient to determine the role of this variant in disease. Therefore, it has been classified as a Variant of Uncertain Significance.